The following is an entry in ClinVar:

NM_001854.4(COL11A1):c.652-2del

Gene: COL11A1 (collagen type XI alpha 1 chain; minus strand). Cytogenetic location: 1p21.1.
Variant type: Deletion.
Coding change: c.652-2del on transcript NM_001854.4 (MANE Select); the canonical splice acceptor site of the intron before coding-DNA position 652, one base deleted (A; older notation c.652-2delA).
Molecular consequence: splice acceptor variant.
Genome position (GRCh38, 1-based): chr1:103,031,246, T deleted on the plus strand (A on the coding strand, the reverse complement: COL11A1 is on the minus strand). VCF-style (leftmost placement, unchanged base first): chr1-103031245-CT-C. GRCh37 (hg19) VCF-style: chr1-103496801-CT-C.
Other names: c.652-2del (NM_001190709.2, NM_080629.3, NM_080630.4).
Identifiers: ClinVar variation 3340226 (VCV003340226.1).

ClinVar aggregate classification (germline): Likely pathogenic (1 of 4 stars; one submission).

Submission:

GeneDx
Classification: Likely pathogenic. Last evaluated: 2023-09-20. Review status: criteria provided, single submitter. Criteria: GeneDx Variant Classification Process June 2021. Collection method: clinical testing. Allele origin: germline. Affected: yes.
Comment: Canonical splice site variant predicted to result in an in-frame loss of the adjacent exon in a gene for which loss of function is a known mechanism of disease; Deletions involving coding exons of this gene are a known mechanism of disease (HGMD); Not observed at significant frequency in large population cohorts (gnomAD); Has not been previously published as pathogenic or benign to our knowledge